The following is an entry in ClinVar:

NM_015443.4(KANSL1):c.1653-4_1653del

Gene: KANSL1 (KAT8 regulatory NSL complex subunit 1). Cytogenetic location: 17q21.31.
Variant type: Deletion.
Coding change: c.1653-4_1653del on transcript NM_015443.4 (MANE Select); 4 bases into the intron before coding-DNA position 1653 through coding-DNA position 1653, this stretch deleted.
Molecular consequence: splice acceptor variant.
Genome position: GRCh38 VCF-style: chr17-46066731-GACTAT-G. GRCh37 (hg19) VCF-style: chr17-44144097-GACTAT-G.
Other names: c.387-4_387del (NM_001405885.1, NM_001405884.1, NM_001405883.1 and 1 more transcripts); c.1551-4_1551del (NM_001405881.1, NM_001405861.1, NM_001405859.1 and 1 more transcripts); c.1653-4_1653del (NM_001405879.1, NM_001405875.1, NM_001193465.2 and 14 more transcripts).
Identifiers: ClinVar variation 3236360 (VCV003236360.1), dbSNP rs2510758717, ClinGen allele CA2825002558.

ClinVar aggregate classification (germline): Pathogenic (1 of 4 stars; one submission).

Conditions:
Koolen-de Vries syndrome (KDVS). Identifiers: Orphanet 96169, MedGen C1864871, MONDO:0012496, OMIM 610443.

Submission:

MVZ Medizinische Genetik Mainz
Classification: Pathogenic for Koolen-de Vries syndrome. Last evaluated: 2023-10-27. Review status: criteria provided, single submitter. Criteria: UK Practice Guidelines For Variant Classification V4 01 2020. Collection method: clinical testing. Allele origin: germline. Inheritance: Autosomal dominant inheritance. Affected: yes. Observed: 1 variant allele.
Comment: ACMG Criteria: PVS1,PM2_SUP